The following is an entry in ClinVar:

ClinVar aggregate classification (germline): Likely pathogenic (1 of 4 stars; one submission).

Submission:

Labcorp Genetics (formerly Invitae), Labcorp
Classification: Likely pathogenic. Last evaluated: 2023-11-20. Review status: criteria provided, single submitter. Criteria: Invitae Variant Classification Sherloc (09022015). Collection method: clinical testing. Allele origin: germline.
Comment: This sequence change affects a donor splice site in intron 7 of the LOXHD1 gene. It is expected to disrupt RNA splicing. Variants that disrupt the donor or acceptor splice site typically lead to a loss of protein function (PMID: 16199547), and loss-of-function variants in LOXHD1 are known to be pathogenic (PMID: 19732867, 21465660, 25792669). This variant is not present in population databases (gnomAD no frequency). This variant has not been reported in the literature in individuals affected with LOXHD1-related conditions. ClinVar contains an entry for this variant (Variation ID: 2034913). Algorithms developed to predict the effect of sequence changes on RNA splicing suggest that this variant may disrupt the consensus splice site. In summary, the currently available evidence indicates that the variant is pathogenic, but additional data are needed to prove that conclusively. Therefore, this variant has been classified as Likely Pathogenic.

Literature cited by the submitters: PubMed 16199547; PubMed 19732867; PubMed 21465660; PubMed 25792669.

NM_001384474.1(LOXHD1):c.883+2T>C

Gene: LOXHD1 (lipoxygenase homology PLAT domains 1; minus strand). Cytogenetic location: 18q21.1.
Variant type: single nucleotide variant.
Coding change: c.883+2T>C on transcript NM_001384474.1 (MANE Select); the canonical splice donor site of the intron after coding-DNA position 883, T replaced by C.
Molecular consequence: splice donor variant.
Genome position (GRCh38, 1-based): chr18:46,604,104, A>G on the plus strand (T>C on the coding strand, the complement: LOXHD1 is on the minus strand). VCF-style: chr18-46604104-A-G. GRCh37 (hg19) VCF-style: chr18-44184067-A-G.
Other names: c.883+2T>C (NM_144612.7).
Identifiers: ClinVar variation 2034913 (VCV002034913.4), dbSNP rs2511960689, ClinGen allele CA402383478.
Genomic context (GRCh38, chr18:46,604,104, plus strand): 5'-AACAGCGACCCTTAGGCAGAAAGTGAAATACCCAAAAGAGCCTCCCCTTTCTTCAAATCT[A>G]CCTGTGGTCTCAGCTCCGCCCACTAAGATATCCCTTTGGATTTTGCCATCGTCTTCGTCC-3'